The following is an entry in ClinVar:

NM_015599.3(PGM3):c.989C>T (p.Ala330Val)

Gene: PGM3 (phosphoglucomutase 3; minus strand). Cytogenetic location: 6q14.1.
Variant type: single nucleotide variant.
Coding change: c.989C>T on transcript NM_015599.3 (MANE Select); coding-DNA position 989, C replaced by T.
Protein change: p.Ala330Val; replaces alanine 330 with valine.
Molecular consequence: missense variant. On other transcripts: non-coding transcript variant (1).
Genome position (GRCh38, 1-based): chr6:83,178,713, G>A on the plus strand (C>T on the coding strand, the complement: PGM3 is on the minus strand). VCF-style: chr6-83178713-G-A. GRCh37 (hg19) VCF-style: chr6-83888432-G-A.
Other names: c.1073C>T, p.Ala358Val (NM_001199917.2, NM_001367287.1); c.746C>T, p.Ala249Val (NM_001199918.2); c.989C>T, p.Ala330Val (NM_001199919.2, NM_001367286.1); short protein forms A330V, A358V, A249V.
Identifiers: ClinVar variation 4702113 (VCV004702113.1).
Genomic context (GRCh38, chr6:83,178,713, plus strand): 5'-AAACAAAAATGGTTCAATACCTTCATAACTTCTTCAAGATACCGTGTTGAACTTCCATTT[G>A]CATATGCAGTTTGTACAACACCAATATTCAAACTTTCTCCAATCTAGACAAAAACAATGA-3'
Protein context (NP_056414.1, residues 320-340): LNIGVVQTAY[Ala330Val]NGSSTRYLEE

ClinVar aggregate classification (germline): Uncertain significance (1 of 4 stars; one submission).

Conditions:
Immunodeficiency 23 (IMD23). Also called: IMMUNODEFICIENCY WITH HYPER IgE AND COGNITIVE IMPAIRMENT; IMMUNODEFICIENCY-VASCULITIS-MYOCLONUS SYNDROME. Identifiers: Orphanet 443811, MedGen C4014371, MONDO:0014353, OMIM 615816.

gnomAD v4.1: 1 of 1,605,892 alleles (0.000062%); highest among the groups gnomAD compares: Admixed American, 0.0017%; no homozygotes.

Submission:

Labcorp Genetics (formerly Invitae), Labcorp
Classification: Uncertain significance for Immunodeficiency 23. Last evaluated: 2025-09-29. Review status: criteria provided, single submitter. Criteria: Invitae Variant Classification Sherloc (09022015). Collection method: clinical testing. Allele origin: germline.
Comment: This sequence change replaces alanine, which is neutral and non-polar, with valine, which is neutral and non-polar, at codon 358 of the PGM3 protein (p.Ala358Val). This variant is present in population databases (no rsID available, gnomAD 0.003%). This variant has not been reported in the literature in individuals affected with PGM3-related conditions. An algorithm developed to predict the effect of missense changes on protein structure and function (PolyPhen-2) suggests that this variant is likely to be disruptive. In summary, the available evidence is currently insufficient to determine the role of this variant in disease. Therefore, it has been classified as a Variant of Uncertain Significance.